The following is an entry in ClinVar:

ClinVar aggregate classification (germline): Uncertain significance (1 of 4 stars; one submission).

Conditions:
Alstrom syndrome (ALMS). Identifiers: Orphanet 64, MedGen C0268425, MONDO:0008763, OMIM 203800.

gnomAD v4.1: 3 of 1,614,206 alleles (0.00019%); highest among the groups gnomAD compares: Admixed American, 0.0033%; no homozygotes.

Submission:

Labcorp Genetics (formerly Invitae), Labcorp
Classification: Uncertain significance for Alstrom syndrome. Last evaluated: 2025-03-31. Review status: criteria provided, single submitter. Criteria: Invitae Variant Classification Sherloc (09022015). Collection method: clinical testing. Allele origin: germline.
Comment: This sequence change replaces cysteine, which is neutral and slightly polar, with glycine, which is neutral and non-polar, at codon 3053 of the ALMS1 protein (p.Cys3053Gly). This variant is not present in population databases (gnomAD no frequency). This variant has not been reported in the literature in individuals affected with ALMS1-related conditions. ClinVar contains an entry for this variant (Variation ID: 1005748). An algorithm developed to predict the effect of missense changes on protein structure and function outputs the following: PolyPhen-2: "Not Available". The glycine amino acid residue is found in multiple mammalian species, which suggests that this missense change does not adversely affect protein function. In summary, the available evidence is currently insufficient to determine the role of this variant in disease. Therefore, it has been classified as a Variant of Uncertain Significance.

NM_001378454.1(ALMS1):c.9154T>G (p.Cys3052Gly)

Gene: ALMS1 (ALMS1 centrosome and basal body associated protein; plus strand). Cytogenetic location: 2p13.1.
Variant type: single nucleotide variant.
Coding change: c.9154T>G on transcript NM_001378454.1 (MANE Select); coding-DNA position 9154, T replaced by G.
Protein change: p.Cys3052Gly; replaces cysteine 3052 with glycine.
Molecular consequence: missense variant.
Genome position (GRCh38, 1-based): chr2:73,491,113, T>G. VCF-style: chr2-73491113-T-G. GRCh37 (hg19) VCF-style: chr2-73718240-T-G.
Other names: c.9157T>G, p.Cys3053Gly (NM_015120.4); short protein forms C3052G, C3053G.
Identifiers: ClinVar variation 1005748 (VCV001005748.7), dbSNP rs1672975660, ClinGen allele CA347273298.